The following is an entry in ClinVar:

ClinVar aggregate classification (germline): Benign/Likely benign. Review status: criteria provided, multiple submitters, no conflicts (2 of 4 stars). 12 submissions from 12 submitters: Benign (5); Likely benign (7). Last evaluated 2026-01-27.

Conditions:
Peutz-Jeghers syndrome (PJS). Also called: Peutz-Jeghers polyposis; Periorificial lentiginosis syndrome; POLYPOSIS, HAMARTOMATOUS INTESTINAL; POLYPS-AND-SPOTS SYNDROME. Identifiers: Orphanet 2869, MedGen C0031269, MeSH D010580, MONDO:0008280, OMIM 175200.
Familial pancreatic carcinoma. Identifiers: Orphanet 1333, MedGen C2931038, MONDO:0015278, OMIM 260350.
Melanoma, cutaneous malignant, susceptibility to, 1 (CMM1). Also called: DYSPLASTIC NEVUS SYNDROME, HEREDITARY; FAMILIAL ATYPICAL MOLE-MALIGNANT MELANOMA SYNDROME; MELANOMA, MALIGNANT; B-K MOLE SYNDROME. Identifiers: Orphanet 618, MedGen C1835047, MONDO:0007963, OMIM 155600.
Germ cell tumor of testis (TGCT). Also called: Testicular germ cell tumor; GERM CELL TUMOR, SOMATIC. Identifiers: Orphanet 363504, MedGen C1336708, MONDO:0010108, OMIM 273300.
Hereditary cancer-predisposing syndrome. Also called: Tumor predisposition; Neoplastic Syndromes, Hereditary; Hereditary Cancer Syndrome; Hereditary neoplastic syndrome. Identifiers: Orphanet 140162, MedGen C0027672, MeSH D009386, MONDO:0015356.

Allele frequency attached by ClinVar (database versions not stated): TOPMed below 0.00001; gnomAD 0.00001 and 0.00002; gnomAD exomes 0.00004; ExAC 0.00010.

Submissions (12):

Labcorp Genetics (formerly Invitae), Labcorp
Classification: Benign for Peutz-Jeghers syndrome. Last evaluated: 2026-01-27. Review status: criteria provided, single submitter. Criteria: Invitae Variant Classification Sherloc (09022015). Collection method: clinical testing. Allele origin: germline.

Myriad Genetics, Inc.
Classification: Benign for Peutz-Jeghers syndrome. Last evaluated: 2025-03-28. Review status: criteria provided, single submitter. Criteria: Myriad Autosomal Dominant, Autosomal Recessive and X-Linked Classification Criteria (2023). Collection method: clinical testing. Allele origin: unknown.
Comment: This variant is considered benign. This variant is a silent/synonymous amino acid change and it is not expected to impact splicing.

CeGaT Center for Human Genetics Tuebingen
Classification: Likely benign. Last evaluated: 2024-12-01. Review status: criteria provided, single submitter. Criteria: CeGaT Center For Human Genetics Tuebingen Variant Classification Criteria Version 2. Collection method: clinical testing. Allele origin: germline. Affected: yes. Observed: 1 variant allele.
Comment: STK11: BP4, BP7

Blueprint Genetics
Classification: Likely benign. Last evaluated: 2024-10-30. Review status: criteria provided, single submitter. Criteria: ACMG Guidelines, 2015. Collection method: clinical testing. Allele origin: germline.

All of Us Research Program, National Institutes of Health
Classification: Likely benign for Peutz-Jeghers syndrome. Last evaluated: 2024-02-05. Review status: criteria provided, single submitter. Criteria: ACMG Guidelines, 2015. Collection method: clinical testing. Allele origin: germline. Inheritance: Autosomal dominant inheritance. Observed: 8 variant alleles, 8 heterozygotes.
Comment: This study involves interpretation of variants in research participants for the purpose of population health screening. Participant phenotype was not available at the time of variant classification. Additional details can be found in publication PMID: 35346344, PMCID: PMC8962531

Department of Pathology and Laboratory Medicine, Sinai Health System
Classification: Benign for Melanoma, cutaneous malignant, susceptibility to, 1; Peutz-Jeghers syndrome; Familial pancreatic carcinoma; Germ cell tumor of testis. Last evaluated: 2022-09-27. Review status: criteria provided, single submitter. Criteria: ACMG Guidelines, 2015. Collection method: clinical testing. Allele origin: germline. Affected: no.

Genome-Nilou Lab
Classification: Likely benign for Peutz-Jeghers syndrome. Last evaluated: 2021-07-15. Review status: criteria provided, single submitter. Criteria: ACMG Guidelines, 2015. Collection method: clinical testing. Allele origin: germline. Affected: no.

Sema4
Classification: Benign for Hereditary cancer-predisposing syndrome. Last evaluated: 2021-04-19. Review status: criteria provided, single submitter. Criteria: Sema4 Curation Guidelines. Collection method: curation. Allele origin: germline.

GeneDx
Classification: Likely benign. Last evaluated: 2019-07-25. Review status: criteria provided, single submitter. Criteria: GeneDx Variant Classification Process June 2021. Collection method: clinical testing. Allele origin: germline. Affected: yes.
Comment: Not observed at a significant frequency in large population cohorts (Lek et al., 2016)

Women's Health and Genetics/Laboratory Corporation of America, LabCorp
Classification: Benign. Last evaluated: 2017-11-09. Review status: criteria provided, single submitter. Criteria: LabCorp Variant Classification Summary - May 2015. Collection method: clinical testing. Allele origin: germline.
Comment: Variant summary: The STK11 c.972G>A (p.Pro324Pro) variant involves the alteration of a non-conserved nucleotide causing a synonymous change and 5/5 splice prediction tools predict no significant impact on normal splicing. ESE finder predicts that this variant may alter ESE binding. However, these predictions have yet to be confirmed by functional studies. This variant was found in 8/216018 (2 homozygotes) control chromosomes (gnomAD), predominantly observed in the South Asian subpopulation at a frequency of 0.00029 (8/27558, 2 homozygotes)). This frequency is about 46 times the estimated maximal expected allele frequency of a pathogenic STK11 variant (0.0000063), suggesting this is likely a benign polymorphism found primarily in the populations of South Asian origin. In addition, a clinical diagnostic laboratory classified this variant as likely benign. The variant of interest has not, to our knowledge, been reported in affected individuals via publications. Taken together, this variant is classified as benign.

Color Diagnostics, LLC DBA Color Health
Classification: Likely benign for Hereditary cancer-predisposing syndrome. Last evaluated: 2017-04-28. Review status: criteria provided, single submitter. Criteria: ACMG Guidelines, 2015. Collection method: clinical testing. Allele origin: germline.

Ambry Genetics
Classification: Likely benign for Hereditary cancer-predisposing syndrome. Last evaluated: 2014-06-05. Review status: criteria provided, single submitter. Criteria: Ambry Variant Classification Scheme 2023. Collection method: clinical testing. Allele origin: germline.

NM_000455.5(STK11):c.972G>A (p.Pro324=)

Gene: STK11 (serine/threonine kinase 11; plus strand). Cytogenetic location: 19p13.3.
Variant type: single nucleotide variant.
Coding change: c.972G>A on transcript NM_000455.5 (MANE Select); coding-DNA position 972, G replaced by A.
Protein change: p.Pro324=; no amino-acid change (proline 324 retained).
Molecular consequence: synonymous variant.
Genome position (GRCh38, 1-based): chr19:1,223,036, G>A. VCF-style: chr19-1223036-G-A. GRCh37 (hg19) VCF-style: chr19-1223035-G-A.
Identifiers: ClinVar variation 185194 (VCV000185194.40), dbSNP rs553474397, ClinGen allele CA023387.